The following is an entry in ClinVar:

NM_003728.4(UNC5C):c.2709T>C (p.Asp903=)

Gene: UNC5C (unc-5 netrin receptor C; minus strand). Cytogenetic location: 4q22.3.
Variant type: single nucleotide variant.
Coding change: c.2709T>C on transcript NM_003728.4 (MANE Select); coding-DNA position 2709, T replaced by C.
Protein change: p.Asp903=; no amino-acid change (aspartic acid 903 retained).
Molecular consequence: synonymous variant.
Genome position (GRCh38, 1-based): chr4:95,169,321, A>G on the plus strand (T>C on the coding strand, the complement: UNC5C is on the minus strand). VCF-style: chr4-95169321-A-G. GRCh37 (hg19) VCF-style: chr4-96090472-A-G.
Identifiers: ClinVar variation 3039977 (VCV003039977.2), dbSNP rs187902349, ClinGen allele CA3015311.

ClinVar aggregate classification (germline): Benign (0 of 4 stars; one submission).

Conditions:
UNC5C-related disorder. Also called: UNC5C-related condition.

Allele frequency attached by ClinVar (database versions not stated): gnomAD exomes 0.00027; TOPMed 0.00046; gnomAD 0.00066; ExAC 0.00101; 1000 Genomes Project 0.00619; 1000 Genomes Project 30x 0.00656.
gnomAD v4.1: 499 of 1,614,212 alleles (0.031%); highest among the groups gnomAD compares: East Asian, 0.97%; 5 homozygotes.

Submission:

PreventionGenetics, part of Exact Sciences
Classification: Benign for UNC5C-related condition. Last evaluated: 2019-09-17. Review status: no assertion criteria provided. Collection method: clinical testing. Allele origin: germline.
Comment: This variant is classified as benign based on ACMG/AMP sequence variant interpretation guidelines (Richards et al. 2015 PMID: 25741868, with internal and published modifications).